The following is an entry in ClinVar:

NM_001394372.1(BICRA):c.1096C>G (p.Leu366Val)

Gene: BICRA (BRD4 interacting chromatin remodeling complex associated protein; plus strand). Cytogenetic location: 19q13.33.
Variant type: single nucleotide variant.
Coding change: c.1096C>G on transcript NM_001394372.1 (MANE Select); coding-DNA position 1096, C replaced by G.
Protein change: p.Leu366Val; replaces leucine 366 with valine.
Molecular consequence: missense variant.
Genome position (GRCh38, 1-based): chr19:47,680,266, C>G. VCF-style: chr19-47680266-C-G. GRCh37 (hg19) VCF-style: chr19-48183523-C-G.
Other names: c.1096C>G, p.Leu366Val (NM_015711.3); short protein forms L366V.
Identifiers: ClinVar variation 2636393 (VCV002636393.1), dbSNP rs2514109547, ClinGen allele CA406611932.
Genomic context (GRCh38, chr19:47,680,266, plus strand): 5'-CGCACACCCACGCCCATCCAGCCCAAGCCCGCGGGGGTGCTGCCGCCCAAGCTCTACCAG[C>G]TGACGCCCAAGCCGTTTGCGCCCGCGGGCGCCACGCTCACCATCCAGGGCGAGCCGGGGG-3'
Protein context (NP_001381301.1, residues 356-376): AGVLPPKLYQ[Leu366Val]TPKPFAPAGA

ClinVar aggregate classification (germline): Uncertain significance (1 of 4 stars; one submission).

Conditions:
BICRA-related disorder. Also called: BICRA-related condition.

gnomAD v4.1: 1 of 1,561,120 alleles (0.000064%); highest among the groups gnomAD compares: Non-Finnish European, 0.000086%; no homozygotes.

Submission:

PreventionGenetics, part of Exact Sciences
Classification: Uncertain significance for BICRA-related condition. Last evaluated: 2023-06-05. Review status: criteria provided, single submitter. Criteria: ACMG Guidelines, 2015. Collection method: clinical testing. Allele origin: germline.
Comment: The BICRA c.1096C>G variant is predicted to result in the amino acid substitution p.Leu366Val. To our knowledge, this variant has not been reported in the literature or in a large population database, indicating this variant is rare. At this time, the clinical significance of this variant is uncertain due to the absence of conclusive functional and genetic evidence.